The following is an entry in ClinVar:

NM_001083116.3(PRF1):c.329_330del (p.Lys110fs)

Gene: PRF1 (perforin 1; minus strand). Cytogenetic location: 10q22.1.
Variant type: Deletion.
Coding change: c.329_330del on transcript NM_001083116.3 (MANE Select); coding-DNA positions 329 to 330, 2 bases deleted (AA; older notation c.329_330delAA).
Protein change: p.Lys110fs; shifts the reading frame from lysine 110.
Molecular consequence: frameshift variant.
Genome position (GRCh38, 1-based): chr10:70,600,573-70,600,574, TT deleted on the plus strand (AA on the coding strand, the reverse complement: PRF1 is on the minus strand); deleting any 2 consecutive bases within chr10:70,600,573-70,600,575 gives the same sequence; the c. name uses the placement nearest the transcript's 3' end. VCF-style (leftmost placement, unchanged base first): chr10-70600572-CTT-C. GRCh37 (hg19) VCF-style: chr10-72360328-CTT-C.
Other names: c.329_330del, p.Lys110fs (NM_005041.6); short protein forms K110fs.
Identifiers: ClinVar variation 2032770 (VCV002032770.4), dbSNP rs2493487397, ClinGen allele CA2580082386.

ClinVar aggregate classification (germline): Pathogenic (1 of 4 stars; one submission).

Conditions:
Familial hemophagocytic lymphohistiocytosis 2 (FHL2). Also called: PRF1-Related Familial Hemophagocytic Lymphohistiocytosis (PRF1-fHLH). Identifiers: Orphanet 540, MedGen C1863727, MONDO:0011337, OMIM 603553.

Submission:

Labcorp Genetics (formerly Invitae), Labcorp
Classification: Pathogenic for Familial hemophagocytic lymphohistiocytosis 2. Last evaluated: 2022-09-27. Review status: criteria provided, single submitter. Criteria: Invitae Variant Classification Sherloc (09022015). Collection method: clinical testing. Allele origin: germline.
Comment: For these reasons, this variant has been classified as Pathogenic. This sequence change creates a premature translational stop signal (p.Lys110Serfs*5) in the PRF1 gene. It is expected to result in an absent or disrupted protein product. Loss-of-function variants in PRF1 are known to be pathogenic (PMID: 1156555, 16860143). This variant is not present in population databases (gnomAD no frequency). This variant has not been reported in the literature in individuals affected with PRF1-related conditions.

Literature cited by the submitters: PubMed 1156555; PubMed 16860143.